The following is an entry in ClinVar:

NM_001367624.2(ZNF469):c.10976_10994del (p.Gly3659fs)

Gene: ZNF469 (zinc finger protein 469; plus strand). Cytogenetic location: 16q24.2.
Variant type: Deletion.
Coding change: c.10976_10994del on transcript NM_001367624.2 (MANE Select); coding-DNA positions 10976 to 10994, 19 bases deleted (GGGGGCCCCGAGGCGCCTT).
Protein change: p.Gly3659fs; shifts the reading frame from glycine 3659.
Molecular consequence: frameshift variant.
Genome position (GRCh38, 1-based): chr16:88,438,446-88,438,464, GGGGGCCCCGAGGCGCCTT deleted. VCF-style (leftmost placement, unchanged base first): chr16-88438445-GGGGGGCCCCGAGGCGCCTT-G. GRCh37 (hg19) VCF-style: chr16-88504853-GGGGGGCCCCGAGGCACCTT-G.
Other names: short protein forms G3659fs.
Identifiers: ClinVar variation 2771104 (VCV002771104.3), dbSNP rs2507608036, ClinGen allele CA2697555986.

ClinVar aggregate classification (germline): Uncertain significance (1 of 4 stars; one submission).

Submission:

Labcorp Genetics (formerly Invitae), Labcorp
Classification: Uncertain significance. Last evaluated: 2023-10-26. Review status: criteria provided, single submitter. Criteria: Invitae Variant Classification Sherloc (09022015). Collection method: clinical testing. Allele origin: germline.
Comment: This sequence change creates a premature translational stop signal (p.Gly3631Alafs*55) in the ZNF469 gene. While this is not anticipated to result in nonsense mediated decay, it is expected to disrupt the last 295 amino acid(s) of the ZNF469 protein. This variant is not present in population databases (gnomAD no frequency). This variant has not been reported in the literature in individuals affected with ZNF469-related conditions. Experimental studies and prediction algorithms are not available or were not evaluated, and the functional significance of this variant is currently unknown. In summary, the available evidence is currently insufficient to determine the role of this variant in disease. Therefore, it has been classified as a Variant of Uncertain Significance.